The following is an entry in ClinVar:

ClinVar aggregate classification (germline): Likely pathogenic (1 of 4 stars; one submission).

Conditions:
Cataract 6 multiple types. Also called: CATARACT 6, POSTERIOR POLAR; CATARACT 6, CONGENITAL TOTAL; CATARACT, AGE-RELATED CORTICAL, 2. Identifiers: Orphanet 91492, MedGen C1861825, MONDO:0007288, OMIM 116600.

Submission:

Labcorp Genetics (formerly Invitae), Labcorp
Classification: Likely pathogenic for Cataract 6 multiple types. Last evaluated: 2018-12-25. Review status: criteria provided, single submitter. Criteria: Invitae Variant Classification Sherloc (09022015). Collection method: clinical testing. Allele origin: germline.
Comment: This variant has not been reported in the literature in individuals with EPHA2-related conditions. Algorithms developed to predict the effect of sequence changes on RNA splicing suggest that this variant may disrupt the consensus splice site, but this prediction has not been confirmed by published transcriptional studies. Donor and acceptor splice site variants typically lead to a loss of protein function (PMID: 16199547), and loss-of-function variants in EPHA2 are known to be pathogenic (PMID: 25148791, 19649315, 22167091). In summary, the currently available evidence indicates that the variant is pathogenic, but additional data are needed to prove that conclusively. Therefore, this variant has been classified as Likely Pathogenic. This variant is not present in population databases (ExAC no frequency). This sequence change affects a donor splice site in intron 7 of the EPHA2 gene. It is expected to disrupt RNA splicing and likely results in an absent or disrupted protein product.

Literature cited by the submitters: PubMed 16199547; PubMed 25148791; PubMed 19649315; PubMed 22167091.

NM_004431.5(EPHA2):c.1582+1G>A

Gene: EPHA2 (EPH receptor A2; minus strand). Cytogenetic location: 1p36.13.
Variant type: single nucleotide variant.
Coding change: c.1582+1G>A on transcript NM_004431.5 (MANE Select); the canonical splice donor site of the intron after coding-DNA position 1582, G replaced by A.
Molecular consequence: splice donor variant.
Genome position (GRCh38, 1-based): chr1:16,135,035, C>T on the plus strand (G>A on the coding strand, the complement: EPHA2 is on the minus strand). VCF-style: chr1-16135035-C-T. GRCh37 (hg19) VCF-style: chr1-16461530-C-T.
Other names: c.1420+1G>A (NM_001329090.2).
Identifiers: ClinVar variation 647226 (VCV000647226.4), dbSNP rs1570403798, ClinGen allele CA338628305.